The following is an entry in ClinVar:

NM_005559.4(LAMA1):c.5452G>A (p.Asp1818Asn)

Gene: LAMA1 (laminin subunit alpha 1; minus strand). Cytogenetic location: 18p11.31.
Variant type: single nucleotide variant.
Coding change: c.5452G>A on transcript NM_005559.4 (MANE Select); coding-DNA position 5452, G replaced by A.
Protein change: p.Asp1818Asn; replaces aspartic acid 1818 with asparagine.
Molecular consequence: missense variant.
Genome position (GRCh38, 1-based): chr18:6,985,571, C>T on the plus strand (G>A on the coding strand, the complement: LAMA1 is on the minus strand). VCF-style: chr18-6985571-C-T. GRCh37 (hg19) VCF-style: chr18-6985570-C-T.
Other names: short protein forms D1818N.
Identifiers: ClinVar variation 2128223 (VCV002128223.4), dbSNP rs776767584, ClinGen allele CA8881597.

ClinVar aggregate classification (germline): Uncertain significance (1 of 4 stars; one submission).

Allele frequency attached by ClinVar (database versions not stated): ExAC 0.00001; gnomAD exomes 0.00001; TOPMed 0.00001.
gnomAD v4.1: 12 of 1,614,186 alleles (0.00074%); highest among the groups gnomAD compares: East Asian, 0.027%; no homozygotes.

Submission:

Labcorp Genetics (formerly Invitae), Labcorp
Classification: Uncertain significance. Last evaluated: 2022-07-01. Review status: criteria provided, single submitter. Criteria: Invitae Variant Classification Sherloc (09022015). Collection method: clinical testing. Allele origin: germline.
Comment: In summary, the available evidence is currently insufficient to determine the role of this variant in disease. Therefore, it has been classified as a Variant of Uncertain Significance. Algorithms developed to predict the effect of missense changes on protein structure and function (SIFT, PolyPhen-2, Align-GVGD) all suggest that this variant is likely to be tolerated. This variant has not been reported in the literature in individuals affected with LAMA1-related conditions. This variant is not present in population databases (gnomAD no frequency). This sequence change replaces aspartic acid, which is acidic and polar, with asparagine, which is neutral and polar, at codon 1818 of the LAMA1 protein (p.Asp1818Asn).